The following is an entry in ClinVar:

NM_000152.5(GAA):c.1723T>C (p.Tyr575His)

Gene: GAA (alpha glucosidase; plus strand). Cytogenetic location: 17q25.3.
Variant type: single nucleotide variant.
Coding change: c.1723T>C on transcript NM_000152.5 (MANE Select); coding-DNA position 1723, T replaced by C.
Protein change: p.Tyr575His; replaces tyrosine 575 with histidine.
Molecular consequence: missense variant.
Genome position (GRCh38, 1-based): chr17:80,112,069, T>C. VCF-style: chr17-80112069-T-C. GRCh37 (hg19) VCF-style: chr17-78085868-T-C.
Other names: c.1723T>C, p.Tyr575His (NM_001079803.3, NM_001079804.3, NM_001406741.1 and 1 more transcripts); short protein forms Y575H.
Identifiers: ClinVar variation 4876339 (VCV004876339.1).

ClinVar aggregate classification (germline): Uncertain significance (1 of 4 stars; one submission).

Conditions:
Glycogen storage disease, type II (IOPD). Also called: Pompe Disease; CARDIOMEGALIA GLYCOGENICA DIFFUSA; GLYCOGENOSIS, GENERALIZED, CARDIAC FORM; GSD II; POMPE DISEASE, INFANTILE-ONSET; GLYCOGEN STORAGE DISEASE II, INFANTILE-ONSET. Identifiers: Orphanet 365, MedGen C0017921, MONDO:0009290, OMIM 232300.

Submission:

Genomenon, Inc
Classification: Uncertain significance for Glycogen storage disease, type II. Last evaluated: 2026-07-01. Review status: criteria provided, single submitter. Criteria: Genomenon Sequence Variant Interpretation Standards - Updated. Collection method: curation. Allele origin: germline. Affected: yes.
Comment: GAA p.Tyr575His (c.1723T>C) is a missense variant that changes the amino acid at codon 575 from Tyrosine to Histidine. This variant has been observed in at least one proband with a GAA-related disorder (PMID:40952111). It is absent or not present at a significant frequency in gnomAD. In silico models predict that this variant is possibly or probably damaging. In conclusion, we classify GAA p.Tyr575His (c.1723T>C) as a variant of uncertain significance.

Literature cited by the submitters: PubMed 40952111.